The following is an entry in ClinVar:

NM_005029.4(PITX3):c.285C>A (p.Ile95=)

Genes: GBF1 (golgi brefeldin A resistant guanine nucleotide exchange factor 1; plus strand), PITX3 (paired like homeodomain 3; minus strand). Cytogenetic location: 10q24.32.
Variant type: single nucleotide variant.
Coding change: c.285C>A on transcript NM_005029.4 (MANE Select); coding-DNA position 285, C replaced by A.
Protein change: p.Ile95=; no amino-acid change (isoleucine 95 retained).
Molecular consequence: synonymous variant.
Genome position (GRCh38, 1-based): chr10:102,231,624, G>T on the plus strand (C>A on the coding strand, the complement: PITX3 is on the minus strand). VCF-style: chr10-102231624-G-T. GRCh37 (hg19) VCF-style: chr10-103991381-G-T.
Identifiers: ClinVar variation 671634 (VCV000671634.1), dbSNP rs2281983, ClinGen allele CA212291985.

ClinVar aggregate classification (germline): Likely benign (1 of 4 stars; one submission).

gnomAD v4.1: 4 of 1,609,532 alleles (0.00025%); highest among the groups gnomAD compares: Admixed American, 0.0051%; no homozygotes.

Submission:

GeneDx
Classification: Likely benign. Last evaluated: 2018-06-04. Review status: criteria provided, single submitter. Criteria: GeneDx Variant Classification (06012015). Collection method: clinical testing. Allele origin: germline. Affected: yes.
Comment: This variant is considered likely benign or benign based on one or more of the following criteria: it is a conservative change, it occurs at a poorly conserved position in the protein, it is predicted to be benign by multiple in silico algorithms, and/or has population frequency not consistent with disease.